The following is an entry in ClinVar:

NM_014363.6(SACS):c.9008G>C (p.Gly3003Ala)

Gene: SACS (sacsin molecular chaperone; minus strand). Cytogenetic location: 13q12.12.
Variant type: single nucleotide variant.
Coding change: c.9008G>C on transcript NM_014363.6 (MANE Select); coding-DNA position 9008, G replaced by C.
Protein change: p.Gly3003Ala; replaces glycine 3003 with alanine.
Molecular consequence: missense variant.
Genome position (GRCh38, 1-based): chr13:23,334,868, C>G on the plus strand (G>C on the coding strand, the complement: SACS is on the minus strand). VCF-style: chr13-23334868-C-G. GRCh37 (hg19) VCF-style: chr13-23909007-C-G.
Other names: c.8567G>C, p.Gly2856Ala (NM_001278055.2); short protein forms G3003A, G2856A.
Identifiers: ClinVar variation 580767 (VCV000580767.6), dbSNP rs1170753806, ClinGen allele CA387515390.

ClinVar aggregate classification (germline): Uncertain significance (1 of 4 stars; one submission).

Conditions:
Spastic paraplegia. Identifiers: MedGen C0037772, HP:0001258.

Allele frequency attached by ClinVar (database versions not stated): TOPMed 0.00001; gnomAD 0.00001.
gnomAD v4.1: 46 of 1,613,648 alleles (0.0029%); highest among the groups gnomAD compares: Non-Finnish European, 0.0037%; no homozygotes.

Submission:

Labcorp Genetics (formerly Invitae), Labcorp
Classification: Uncertain significance for Spastic paraplegia. Last evaluated: 2022-03-28. Review status: criteria provided, single submitter. Criteria: Invitae Variant Classification Sherloc (09022015). Collection method: clinical testing. Allele origin: germline.
Comment: This sequence change replaces glycine, which is neutral and non-polar, with alanine, which is neutral and non-polar, at codon 3003 of the SACS protein (p.Gly3003Ala). This variant is not present in population databases (gnomAD no frequency). This variant has not been reported in the literature in individuals affected with SACS-related conditions. ClinVar contains an entry for this variant (Variation ID: 580767). Advanced modeling of protein sequence and biophysical properties (such as structural, functional, and spatial information, amino acid conservation, physicochemical variation, residue mobility, and thermodynamic stability) performed at Invitae indicates that this missense variant is not expected to disrupt SACS protein function. In summary, the available evidence is currently insufficient to determine the role of this variant in disease. Therefore, it has been classified as a Variant of Uncertain Significance.